The following is an entry in ClinVar:

ClinVar aggregate classification (germline): Likely benign (1 of 4 stars; one submission).

Submission:

CeGaT Center for Human Genetics Tuebingen
Classification: Likely benign. Last evaluated: 2023-02-01. Review status: criteria provided, single submitter. Criteria: CeGaT Center For Human Genetics Tuebingen Variant Classification Criteria Version 2. Collection method: clinical testing. Allele origin: germline. Affected: yes. Observed: 1 variant allele.
Comment: FANCG: BP4, BP7

NM_004629.2(FANCG):c.1653C>T (p.Tyr551=)

Gene: FANCG (FA complementation group G; minus strand). Cytogenetic location: 9p13.3.
Variant type: single nucleotide variant.
Coding change: c.1653C>T on transcript NM_004629.2 (MANE Select); coding-DNA position 1653, C replaced by T.
Protein change: p.Tyr551=; no amino-acid change (tyrosine 551 retained).
Molecular consequence: synonymous variant.
Genome position (GRCh38, 1-based): chr9:35,074,478, G>A on the plus strand (C>T on the coding strand, the complement: FANCG is on the minus strand). VCF-style: chr9-35074478-G-A. GRCh37 (hg19) VCF-style: chr9-35074475-G-A.
Identifiers: ClinVar variation 2659169 (VCV002659169.24), dbSNP rs1422022388, ClinGen allele CA464602437.